The following is an entry in ClinVar:

NM_031885.5(BBS2):c.581A>G (p.Asp194Gly)

Gene: BBS2 (Bardet-Biedl syndrome 2; minus strand). Cytogenetic location: 16q13.
Variant type: single nucleotide variant.
Coding change: c.581A>G on transcript NM_031885.5 (MANE Select); coding-DNA position 581, A replaced by G.
Protein change: p.Asp194Gly; replaces aspartic acid 194 with glycine.
Molecular consequence: missense variant. On other transcripts: non-coding transcript variant (5).
Genome position (GRCh38, 1-based): chr16:56,509,988, T>C on the plus strand (A>G on the coding strand, the complement: BBS2 is on the minus strand). VCF-style: chr16-56509988-T-C. GRCh37 (hg19) VCF-style: chr16-56543900-T-C.
Other names: c.581A>G, p.Asp194Gly (NM_001377456.1); short protein forms D194G.
Identifiers: ClinVar variation 852056 (VCV000852056.4), dbSNP rs1325859248, ClinGen allele CA395984026.

ClinVar aggregate classification (germline): Uncertain significance. Review status: criteria provided, multiple submitters, no conflicts (2 of 4 stars). 2 submissions from 2 submitters: Uncertain significance (2). Last evaluated 2023-06-16.

Conditions:
BBS2-related disorder. Also called: BBS2-related disorders; BBS2-related condition. Identifiers: MedGen CN239228.
Bardet-Biedl syndrome (BBS). Identifiers: Orphanet 110, MedGen C0752166, MONDO:0015229.

Allele frequency attached by ClinVar (database versions not stated): gnomAD exomes below 0.00001 and 0.00001.
gnomAD v4.1: 2 of 1,614,136 alleles (0.00012%); highest among the groups gnomAD compares: Admixed American, 0.0033%; no homozygotes.

Submissions (2):

PreventionGenetics, part of Exact Sciences
Classification: Uncertain significance for BBS2-related condition. Last evaluated: 2023-06-16. Review status: criteria provided, single submitter. Criteria: ACMG Guidelines, 2015. Collection method: clinical testing. Allele origin: germline.
Comment: The BBS2 c.581A>G variant is predicted to result in the amino acid substitution p.Asp194Gly. To our knowledge, this variant has not been reported in the literature. This variant is reported in 0.0058% of alleles in individuals of Latino descent in gnomAD. At this time, the clinical significance of this variant is uncertain due to the absence of conclusive functional and genetic evidence.

Labcorp Genetics (formerly Invitae), Labcorp
Classification: Uncertain significance for Bardet-Biedl syndrome. Last evaluated: 2021-08-31. Review status: criteria provided, single submitter. Criteria: Invitae Variant Classification Sherloc (09022015). Collection method: clinical testing. Allele origin: germline.
Comment: This sequence change replaces aspartic acid with glycine at codon 194 of the BBS2 protein (p.Asp194Gly). The aspartic acid residue is highly conserved and there is a moderate physicochemical difference between aspartic acid and glycine. This variant is not present in population databases (ExAC no frequency). This variant has not been reported in the literature in individuals affected with BBS2-related conditions. Algorithms developed to predict the effect of missense changes on protein structure and function (SIFT, PolyPhen-2, Align-GVGD) all suggest that this variant is likely to be disruptive. Algorithms developed to predict the effect of sequence changes on RNA splicing suggest that this variant may create or strengthen a splice site. In summary, the available evidence is currently insufficient to determine the role of this variant in disease. Therefore, it has been classified as a Variant of Uncertain Significance.